The following is an entry in ClinVar:

NM_000051.4(ATM):c.9084TGG[1] (p.Gly3030del)

Genes: ATM (ATM serine/threonine kinase; plus strand), C11orf65 (chromosome 11 open reading frame 65; minus strand). Cytogenetic location: 11q22.3.
Variant type: Microsatellite.
Coding change: c.9084TGG[1] on transcript NM_000051.4 (MANE Select); one copy of the 3-base unit TGG starting at c.9084; the reference has two copies in a row; one copy, 3 bases deleted.
Protein change: p.Gly3030del; deletes glycine 3030.
Molecular consequence: inframe deletion. On other transcripts: intron variant (2), inframe indel (1).
Genome position (GRCh38, 1-based): chr11:108,365,424-108,365,426, TGG deleted; deleting any 3 consecutive bases within chr11:108,365,421-108,365,426 gives the same sequence; the position shown is the placement nearest the transcript's 3' end. VCF-style (leftmost placement, unchanged base first): chr11-108365420-TTGG-T. GRCh37 (hg19) VCF-style: chr11-108236147-TTGG-T.
Other names: c.9084TGG[1], p.Gly3030del (NM_001351834.2); c.640+20497_640+20499del (NM_001330368.2); c.694+20497_694+20499del (NM_001351110.2); c.9087_9089delTGG (NM_000051.3); short protein forms G3030del.
Identifiers: ClinVar variation 652413 (VCV000652413.10), dbSNP rs1591387676, ClinGen allele CA915947680.

ClinVar aggregate classification (germline): Uncertain significance (1 of 4 stars; one submission).

Conditions:
Ataxia-telangiectasia syndrome (AT). Also called: Ataxia-telangiectasia, complementation group D; AT, COMPLEMENTATION GROUP C; ATAXIA-TELANGIECTASIA, COMPLEMENTATION GROUP A; ATAXIA-TELANGIECTASIA, FRESNO VARIANT; Ataxia-telangiectasia; LOUIS-BAR SYNDROME. Identifiers: Orphanet 100, MedGen C0004135, MONDO:0008840, OMIM 208900.

Submission:

Labcorp Genetics (formerly Invitae), Labcorp
Classification: Uncertain significance for Ataxia-telangiectasia syndrome. Last evaluated: 2022-04-15. Review status: criteria provided, single submitter. Criteria: Invitae Variant Classification Sherloc (09022015). Collection method: clinical testing. Allele origin: germline.
Comment: This variant, c.9087_9089del, results in the deletion of 1 amino acid(s) of the ATM protein (p.Gly3030del), but otherwise preserves the integrity of the reading frame. This variant is not present in population databases (gnomAD no frequency). In summary, the available evidence is currently insufficient to determine the role of this variant in disease. Therefore, it has been classified as a Variant of Uncertain Significance. Experimental studies and prediction algorithms are not available or were not evaluated, and the functional significance of this variant is currently unknown. ClinVar contains an entry for this variant (Variation ID: 652413). This variant has not been reported in the literature in individuals affected with ATM-related conditions.